The following is an entry in ClinVar:

NM_005419.4(STAT2):c.1326G>A (p.Leu442=)

Gene: STAT2 (signal transducer and activator of transcription 2; minus strand). Cytogenetic location: 12q13.3.
Variant type: single nucleotide variant.
Coding change: c.1326G>A on transcript NM_005419.4 (MANE Select); coding-DNA position 1326, G replaced by A.
Protein change: p.Leu442=; no amino-acid change (leucine 442 retained).
Molecular consequence: synonymous variant.
Genome position (GRCh38, 1-based): chr12:56,349,441, C>T on the plus strand (G>A on the coding strand, the complement: STAT2 is on the minus strand). VCF-style: chr12-56349441-C-T. GRCh37 (hg19) VCF-style: chr12-56743225-C-T.
Other names: c.1314G>A, p.Leu438= (NM_198332.2); c.1326G>A, p.Leu442= (LRG_1329t1).
Identifiers: ClinVar variation 542352 (VCV000542352.14), dbSNP rs529406351, ClinGen allele CA6630557.
Genomic context (GRCh38, chr12:56,349,441, plus strand): 5'-CTTCCAAAGCTGCTTTCTCTCTCCTTGCCCTCCATTTTCACTCACTTTCAGCTCCTGCTT[C>T]AGACCCTGGTAGGTATATTTGACCGTGAAGCTGATGATGTGCAGTTCCTCTGTCACACCT-3'
Protein context (NP_005410.1, residues 432-452): SFTVKYTYQG[Leu442=]KQELKTDTLP

ClinVar aggregate classification (germline): Benign/Likely benign. Review status: criteria provided, multiple submitters, no conflicts (2 of 4 stars). 3 submissions from 3 submitters: Benign (1); Likely benign (1). 1 of the submissions does not count toward it. Last evaluated 2025-12-15.

Conditions:
STAT2-related disorder. Also called: STAT2-related condition.
Primary immunodeficiency with post-measles-mumps-rubella vaccine viral infection. Also called: Immunodeficiency 44. Identifiers: Orphanet 431166, MedGen C4225260, MONDO:0014715, OMIM 616636.

Allele frequency attached by ClinVar (database versions not stated): gnomAD below 0.00001 and 0.00024; TOPMed 0.00004; gnomAD exomes 0.00036 and 0.00073; ExAC 0.00080; 1000 Genomes Project 0.00120; 1000 Genomes Project 30x 0.00156.
gnomAD v4.1: 578 of 1,614,220 alleles (0.036%); highest among the groups gnomAD compares: South Asian, 0.58%; 11 homozygotes.

Submissions (3):

Labcorp Genetics (formerly Invitae), Labcorp
Classification: Benign for Primary immunodeficiency with post-measles-mumps-rubella vaccine viral infection. Last evaluated: 2025-12-15. Review status: criteria provided, single submitter. Criteria: Invitae Variant Classification Sherloc (09022015). Collection method: clinical testing. Allele origin: germline.

Blueprint Genetics
Classification: Likely benign. Last evaluated: 2024-10-15. Review status: criteria provided, single submitter. Criteria: ACMG Guidelines, 2015. Collection method: clinical testing. Allele origin: germline.

PreventionGenetics, part of Exact Sciences
Classification: Likely benign for STAT2-related condition. Last evaluated: 2019-05-08. Review status: no assertion criteria provided. Collection method: clinical testing. Allele origin: germline. Not counted in ClinVar's aggregate classification.
Comment: This variant is classified as likely benign based on ACMG/AMP sequence variant interpretation guidelines (Richards et al. 2015 PMID: 25741868, with internal and published modifications).